The following is an entry in ClinVar:

NM_022489.4(INF2):c.2318A>G (p.His773Arg)

Gene: INF2 (inverted formin 2; plus strand). Cytogenetic location: 14q32.33.
Variant type: single nucleotide variant.
Coding change: c.2318A>G on transcript NM_022489.4 (MANE Select); coding-DNA position 2318, A replaced by G.
Protein change: p.His773Arg; replaces histidine 773 with arginine.
Molecular consequence: missense variant. On other transcripts: non-coding transcript variant (1).
Genome position (GRCh38, 1-based): chr14:104,711,086, A>G. VCF-style: chr14-104711086-A-G. GRCh37 (hg19) VCF-style: chr14-105177423-A-G.
Other names: c.2318A>G, p.His773Arg (NM_001031714.4, NM_001426862.1, NM_001426863.1 and 2 more transcripts); short protein forms H773R.
Identifiers: ClinVar variation 3753955 (VCV003753955.2).

ClinVar aggregate classification (germline): Uncertain significance (1 of 4 stars; one submission).

Conditions:
Focal segmental glomerulosclerosis 5 (FSGS5). Identifiers: Orphanet 656, MedGen C2750475, MONDO:0013191, OMIM 613237.
Charcot-Marie-Tooth disease dominant intermediate E. Also called: CHARCOT-MARIE-TOOTH NEUROPATHY WITH FOCAL SEGMENTAL GLOMERULONEPHRITIS. Identifiers: Orphanet 93114, MedGen C4302667, MONDO:0013758, OMIM 614455.

Submission:

Labcorp Genetics (formerly Invitae), Labcorp
Classification: Uncertain significance for Charcot-Marie-Tooth disease dominant intermediate E; Focal segmental glomerulosclerosis 5. Last evaluated: 2024-08-11. Review status: criteria provided, single submitter. Criteria: Invitae Variant Classification Sherloc (09022015). Collection method: clinical testing. Allele origin: germline.
Comment: This sequence change replaces histidine, which is basic and polar, with arginine, which is basic and polar, at codon 773 of the INF2 protein (p.His773Arg). This variant is not present in population databases (gnomAD no frequency). This variant has not been reported in the literature in individuals affected with INF2-related conditions. Advanced modeling of protein sequence and biophysical properties (such as structural, functional, and spatial information, amino acid conservation, physicochemical variation, residue mobility, and thermodynamic stability) performed at Invitae indicates that this missense variant is not expected to disrupt INF2 protein function with a negative predictive value of 95%. In summary, the available evidence is currently insufficient to determine the role of this variant in disease. Therefore, it has been classified as a Variant of Uncertain Significance.